The following is an entry in ClinVar:

NM_000321.3(RB1):c.1600A>G (p.Ser534Gly)

Gene: RB1 (RB transcriptional corepressor 1; plus strand). Cytogenetic location: 13q14.2.
Variant type: single nucleotide variant.
Coding change: c.1600A>G on transcript NM_000321.3 (MANE Select); coding-DNA position 1600, A replaced by G.
Protein change: p.Ser534Gly; replaces serine 534 with glycine.
Molecular consequence: missense variant.
Genome position (GRCh38, 1-based): chr13:48,381,348, A>G. VCF-style: chr13-48381348-A-G. GRCh37 (hg19) VCF-style: chr13-48955484-A-G.
Other names: c.1600A>G, p.Ser534Gly (NM_001407165.1, NM_001407166.1); short protein forms S534G.
Identifiers: ClinVar variation 4544346 (VCV004544346.1).
Genomic context (GRCh38, chr13:48,381,348, plus strand): 5'-TTCCCATGGATTCTGAATGTGCTTAATTTAAAAGCCTTTGATTTTTACAAAGTGATCGAA[A>G]GTTTTATCAAAGCAGAAGGCAACTTGACAAGAGAAATGATAAAACATTTAGAACGATGTG-3'
Protein context (NP_000312.2, residues 524-544): KAFDFYKVIE[Ser534Gly]FIKAEGNLTR

ClinVar aggregate classification (germline): Uncertain significance (1 of 4 stars; one submission).

Conditions:
Hereditary cancer-predisposing syndrome. Also called: Tumor predisposition; Hereditary Cancer Syndrome; Hereditary neoplastic syndrome; Neoplastic Syndromes, Hereditary. Identifiers: Orphanet 140162, MedGen C0027672, MeSH D009386, MONDO:0015356.

gnomAD v4.1: 2 of 1,611,750 alleles (0.00012%); highest among the groups gnomAD compares: Non-Finnish European, 0.00017%; no homozygotes.

Submission:

Ambry Genetics
Classification: Uncertain significance for Hereditary cancer-predisposing syndrome. Last evaluated: 2025-12-03. Review status: criteria provided, single submitter. Criteria: Ambry Variant Classification Scheme 2023. Collection method: clinical testing. Allele origin: germline.
Comment: The p.S534G variant (also known as c.1600A>G), located in coding exon 17 of the RB1 gene, results from an A to G substitution at nucleotide position 1600. The serine at codon 534 is replaced by glycine, an amino acid with similar properties. This amino acid position is conserved. In addition, the in silico prediction for this alteration is inconclusive. Based on the available evidence, the clinical significance of this variant remains unclear.